The following is an entry in ClinVar:

ClinVar aggregate classification (germline): Conflicting classifications of pathogenicity. Review status: criteria provided, conflicting classifications (1 of 4 stars). 3 submissions from 3 submitters: Uncertain significance (1); Benign (1); Likely benign (1). Last evaluated 2025-03-01.

Conditions:
Dystonia 24 (DYT24). Also called: DYT-ANO3. Identifiers: Orphanet 420485, MedGen C3554374, MONDO:0014019, OMIM 615034.

gnomAD v4.1: 12,948 of 984,950 alleles (1.3%); highest among the groups gnomAD compares: Middle Eastern, 3.6%; 86 homozygotes.

Submissions (3):

CeGaT Center for Human Genetics Tuebingen
Classification: Benign. Last evaluated: 2025-03-01. Review status: criteria provided, single submitter. Criteria: CeGaT Center For Human Genetics Tuebingen Variant Classification Criteria Version 2. Collection method: clinical testing. Allele origin: germline. Affected: yes. Observed: 3 variant alleles.
Comment: ANO3: BS1, BS2

Blueprint Genetics
Classification: Likely benign. Last evaluated: 2024-11-27. Review status: criteria provided, single submitter. Criteria: ACMG Guidelines, 2015. Collection method: clinical testing. Allele origin: germline.

Neuberg Centre For Genomic Medicine, NCGM
Classification: Uncertain significance for Dystonia 24. Last evaluated: 2023-05-20. Review status: criteria provided, single submitter. Criteria: ACMG Guidelines, 2015. Collection method: clinical testing. Allele origin: germline. Inheritance: Autosomal dominant inheritance. Affected: yes.
Comment: The observed missense c.58C>T (p.His20Tyr) variant in ANO3 gene has not been reported previously as a pathogenic variant nor as a benign variant, to our knowledge. The p.His20Tyr variant is absent in gnomAD Exomes. This variant has not been submitted to the ClinVar database. The amino acid His at position 20 is changed to a Tyr changing protein sequence and it might alter its composition and physico-chemical properties. For these reasons, this variant has been classified as a Variant of Uncertain Significance (VUS).

NM_001313726.2(ANO3):c.58C>T (p.His20Tyr)

Gene: ANO3 (anoctamin 3; plus strand). Cytogenetic location: 11p14.3.
Variant type: single nucleotide variant.
Coding change: c.58C>T on transcript NM_001313726.2; coding-DNA position 58, C replaced by T.
Protein change: p.His20Tyr; replaces histidine 20 with tyrosine.
Molecular consequence: missense variant.
Genome position (GRCh38, 1-based): chr11:26,189,234, C>T. VCF-style: chr11-26189234-C-T. GRCh37 (hg19) VCF-style: chr11-26210781-C-T.
Other names: short protein forms H20Y.
Identifiers: ClinVar variation 3362365 (VCV003362365.17).